The following is an entry in ClinVar:

NM_006030.4(CACNA2D2):c.1282G>A (p.Val428Met)

Gene: CACNA2D2 (calcium voltage-gated channel auxiliary subunit alpha2delta 2; minus strand). Cytogenetic location: 3p21.31.
Variant type: single nucleotide variant.
Coding change: c.1282G>A on transcript NM_006030.4 (MANE Select); coding-DNA position 1282, G replaced by A.
Protein change: p.Val428Met; replaces valine 428 with methionine.
Molecular consequence: missense variant.
Genome position (GRCh38, 1-based): chr3:50,378,972, C>T on the plus strand (G>A on the coding strand, the complement: CACNA2D2 is on the minus strand). VCF-style: chr3-50378972-C-T. GRCh37 (hg19) VCF-style: chr3-50416403-C-T.
Other names: c.1282G>A, p.Val428Met (NM_001005505.3, NM_001174051.3); c.1075G>A, p.Val359Met (NM_001291101.1); short protein forms V359M, V428M.
Identifiers: ClinVar variation 1026625 (VCV001026625.6), dbSNP rs748093850, ClinGen allele CA2418912.

ClinVar aggregate classification (germline): Uncertain significance (1 of 4 stars; one submission).

Conditions:
Early-infantile DEE. Also called: Ohtahara syndrome; Early infantile epileptic encephalopathy; Early infantile epileptic encephalopathy with suppression bursts. Identifiers: Orphanet 1934, MedGen C0393706, MONDO:0800491.

Allele frequency attached by ClinVar (database versions not stated): ExAC 0.00001; gnomAD 0.00002; TOPMed 0.00003.
gnomAD v4.1: 26 of 1,613,794 alleles (0.0016%); highest among the groups gnomAD compares: Middle Eastern, 0.016%; no homozygotes.

Submission:

Labcorp Genetics (formerly Invitae), Labcorp
Classification: Uncertain significance for Early-infantile DEE. Last evaluated: 2024-09-23. Review status: criteria provided, single submitter. Criteria: Invitae Variant Classification Sherloc (09022015). Collection method: clinical testing. Allele origin: germline.
Comment: This sequence change replaces valine, which is neutral and non-polar, with methionine, which is neutral and non-polar, at codon 428 of the CACNA2D2 protein (p.Val428Met). This variant is present in population databases (rs748093850, gnomAD 0.004%). This variant has not been reported in the literature in individuals affected with CACNA2D2-related conditions. ClinVar contains an entry for this variant (Variation ID: 1026625). An algorithm developed to predict the effect of missense changes on protein structure and function (PolyPhen-2) suggests that this variant is likely to be tolerated. In summary, the available evidence is currently insufficient to determine the role of this variant in disease. Therefore, it has been classified as a Variant of Uncertain Significance.